The following is an entry in ClinVar:

ClinVar aggregate classification (germline): Uncertain significance (1 of 4 stars; one submission).

Conditions:
Hereditary cancer-predisposing syndrome. Also called: Hereditary Cancer Syndrome; Hereditary neoplastic syndrome; Tumor predisposition; Neoplastic Syndromes, Hereditary. Identifiers: Orphanet 140162, MedGen C0027672, MeSH D009386, MONDO:0015356.

Submission:

Ambry Genetics
Classification: Uncertain significance for Hereditary cancer-predisposing syndrome. Last evaluated: 2022-05-11. Review status: criteria provided, single submitter. Criteria: Ambry Variant Classification Scheme 2023. Collection method: clinical testing. Allele origin: germline.
Comment: The p.G82V variant (also known as c.245G>T), located in coding exon 3 of the PMS2 gene, results from a G to T substitution at nucleotide position 245. The glycine at codon 82 is replaced by valine, an amino acid with dissimilar properties. This amino acid position is highly conserved in available vertebrate species. In addition, this alteration is predicted to be deleterious by in silico analysis. Since supporting evidence is limited at this time, the clinical significance of this alteration remains unclear.

NM_000535.7(PMS2):c.245G>T (p.Gly82Val)

Gene: PMS2 (PMS1 homolog 2, mismatch repair system component; minus strand). Cytogenetic location: 7p22.1.
Variant type: single nucleotide variant.
Coding change: c.245G>T on transcript NM_000535.7 (MANE Select); coding-DNA position 245, G replaced by T.
Protein change: p.Gly82Val; replaces glycine 82 with valine.
Molecular consequence: missense variant. On other transcripts: 5 prime UTR variant (9), non-coding transcript variant (1).
Genome position (GRCh38, 1-based): chr7:6,003,977, C>A on the plus strand (G>T on the coding strand, the complement: PMS2 is on the minus strand). VCF-style: chr7-6003977-C-A. GRCh37 (hg19) VCF-style: chr7-6043608-C-A.
Other names: c.-161G>T (NM_001018040.1, NM_001322003.2, NM_001322004.2 and 14 more transcripts); c.245G>T, p.Gly82Val (NM_001322006.2, NM_001322014.2, NM_001406868.1 and 10 more transcripts); c.30G>T, p.Arg10Ser (NM_001322007.2, NM_001322008.2, NM_001406876.1 and 4 more transcripts); c.-640G>T (NM_001322011.2, NM_001322012.2); c.-240G>T (NM_001322015.2, NM_001406875.1, NM_001406877.1 and 3 more transcripts); c.431G>T, p.Gly144Val (NM_001406866.1); c.-187G>T (NM_001406880.1); c.-137G>T (NM_001406881.1, NM_001406900.1); and 2 more; short protein forms G144V, R10S, G82V.
Identifiers: ClinVar variation 1791614 (VCV001791614.2), dbSNP rs1386977804, ClinGen allele CA366744755.